The following is an entry in ClinVar:

ClinVar aggregate classification (germline): Uncertain significance (1 of 4 stars; one submission).

Conditions:
Hereditary cancer-predisposing syndrome. Also called: Hereditary Cancer Syndrome; Hereditary neoplastic syndrome; Neoplastic Syndromes, Hereditary; Tumor predisposition. Identifiers: Orphanet 140162, MedGen C0027672, MeSH D009386, MONDO:0015356.

Allele frequency attached by ClinVar (database versions not stated): gnomAD exomes below 0.00001.
gnomAD v4.1: 1 of 1,613,854 alleles (0.000062%); highest among the groups gnomAD compares: Non-Finnish European, 0.000085%; no homozygotes.

Submission:

Ambry Genetics
Classification: Uncertain significance for Hereditary cancer-predisposing syndrome. Last evaluated: 2022-07-14. Review status: criteria provided, single submitter. Criteria: Ambry Variant Classification Scheme 2023. Collection method: clinical testing. Allele origin: germline.
Comment: The p.P405L variant (also known as c.1214C>T), located in coding exon 6 of the RET gene, results from a C to T substitution at nucleotide position 1214. The proline at codon 405 is replaced by leucine, an amino acid with similar properties. This amino acid position is well conserved in available vertebrate species. In addition, this alteration is predicted to be tolerated by in silico analysis. Since supporting evidence is limited at this time, the clinical significance of this alteration remains unclear.

NM_020975.6(RET):c.1214C>T (p.Pro405Leu)

Gene: RET (ret proto-oncogene; plus strand). Cytogenetic location: 10q11.21.
Variant type: single nucleotide variant.
Coding change: c.1214C>T on transcript NM_020975.6 (MANE Select); coding-DNA position 1214, C replaced by T.
Protein change: p.Pro405Leu; replaces proline 405 with leucine.
Molecular consequence: missense variant.
Genome position (GRCh38, 1-based): chr10:43,109,181, C>T. VCF-style: chr10-43109181-C-T. GRCh37 (hg19) VCF-style: chr10-43604629-C-T.
Other names: c.1214C>T, p.Pro405Leu (NM_000323.2, NM_001406743.1, NM_001406744.1 and 6 more transcripts); c.452C>T, p.Pro151Leu (NM_001355216.2); c.1085C>T, p.Pro362Leu (NM_001406761.1, NM_001406762.1, NM_001406764.1 and 1 more transcripts); c.926C>T, p.Pro309Leu (NM_001406766.1, NM_001406767.1, NM_001406770.1); c.776C>T, p.Pro259Leu (NM_001406771.1, NM_001406773.1); c.488C>T, p.Pro163Leu (NM_001406775.1, NM_001406776.1, NM_001406777.1 and 1 more transcripts); c.224C>T, p.Pro75Leu (NM_001406784.1); short protein forms P151L, P163L, P309L, P362L, P259L, P75L, P405L.
Identifiers: ClinVar variation 1751188 (VCV001751188.2), dbSNP rs2538425581, ClinGen allele CA376547850.